The following is an entry in ClinVar:

NM_080911.3(UNG):c.805C>T (p.Arg269Trp)

Gene: UNG (uracil DNA glycosylase; plus strand). Cytogenetic location: 12q24.11.
Variant type: single nucleotide variant.
Coding change: c.805C>T on transcript NM_080911.3 (MANE Select); coding-DNA position 805, C replaced by T.
Protein change: p.Arg269Trp; replaces arginine 269 with tryptophan.
Molecular consequence: missense variant.
Genome position (GRCh38, 1-based): chr12:109,109,832, C>T. VCF-style: chr12-109109832-C-T. GRCh37 (hg19) VCF-style: chr12-109547637-C-T.
Other names: c.778C>T, p.Arg260Trp (NM_003362.4); short protein forms R269W, R260W.
Identifiers: ClinVar variation 648430 (VCV000648430.7), dbSNP rs143034537, ClinGen allele CA6772802.

ClinVar aggregate classification (germline): Uncertain significance. Review status: criteria provided, multiple submitters, no conflicts (2 of 4 stars). 2 submissions from 2 submitters: Uncertain significance (2). Last evaluated 2024-07-08.

Conditions:
Hyper-IgM syndrome type 5 (HIGM5). Also called: Hyper-IgM Immunodeficiency Syndrome, Type 5. Identifiers: Orphanet 101092, MedGen C1720958, MONDO:0011971, OMIM 608106.

Allele frequency attached by ClinVar (database versions not stated): ESP Exome Variant Server 0.00015; ExAC 0.00016; gnomAD 0.00018; TOPMed 0.00022.

Submissions (2):

Blueprint Genetics
Classification: Uncertain significance. Last evaluated: 2024-07-08. Review status: criteria provided, single submitter. Criteria: ACMG Guidelines, 2015. Collection method: clinical testing. Allele origin: germline.

Labcorp Genetics (formerly Invitae), Labcorp
Classification: Uncertain significance for Hyper-IgM syndrome type 5. Last evaluated: 2023-12-04. Review status: criteria provided, single submitter. Criteria: Invitae Variant Classification Sherloc (09022015). Collection method: clinical testing. Allele origin: germline.
Comment: This sequence change replaces arginine, which is basic and polar, with tryptophan, which is neutral and slightly polar, at codon 269 of the UNG protein (p.Arg269Trp). This variant is present in population databases (rs143034537, gnomAD 0.03%). This variant has not been reported in the literature in individuals affected with UNG-related conditions. ClinVar contains an entry for this variant (Variation ID: 648430). Advanced modeling of protein sequence and biophysical properties (such as structural, functional, and spatial information, amino acid conservation, physicochemical variation, residue mobility, and thermodynamic stability) performed at Invitae indicates that this missense variant is expected to disrupt UNG protein function with a positive predictive value of 80%. Algorithms developed to predict the effect of sequence changes on RNA splicing suggest that this variant may disrupt the consensus splice site. In summary, the available evidence is currently insufficient to determine the role of this variant in disease. Therefore, it has been classified as a Variant of Uncertain Significance.